The following is an entry in ClinVar:

NM_000059.4(BRCA2):c.3128C>G (p.Ala1043Gly)

Gene: BRCA2 (BRCA2 DNA repair associated; plus strand). Cytogenetic location: 13q13.1.
Variant type: single nucleotide variant.
Coding change: c.3128C>G on transcript NM_000059.4 (MANE Select); coding-DNA position 3128, C replaced by G.
Protein change: p.Ala1043Gly; replaces alanine 1043 with glycine.
Molecular consequence: missense variant.
Genome position (GRCh38, 1-based): chr13:32,337,483, C>G. VCF-style: chr13-32337483-C-G. GRCh37 (hg19) VCF-style: chr13-32911620-C-G.
Other names: short protein forms A1043G.
Identifiers: ClinVar variation 481601 (VCV000481601.13), dbSNP rs1555283059, ClinGen allele CA387775722.

ClinVar aggregate classification (germline): Conflicting classifications of pathogenicity. Review status: criteria provided, conflicting classifications (1 of 4 stars). 4 submissions from 4 submitters: Uncertain significance (3); Likely benign (1). Last evaluated 2023-05-16.

Conditions:
Hereditary cancer-predisposing syndrome. Also called: Hereditary neoplastic syndrome; Neoplastic Syndromes, Hereditary; Tumor predisposition; Hereditary Cancer Syndrome. Identifiers: Orphanet 140162, MedGen C0027672, MeSH D009386, MONDO:0015356.
Hereditary breast ovarian cancer syndrome. Also called: Hereditary breast and ovarian cancer syndrome (HBOC); Breast and ovarian cancer; Hereditary breast and ovarian cancer syndrome; Hereditary breast and ovarian cancer; Hereditary breast and/or ovarian cancer syndrome; BRCA1- and BRCA2-Associated Hereditary Breast and Ovarian Cancer. Identifiers: Orphanet 145, MedGen C0677776, MeSH D061325, MONDO:0003582. Disease mechanism: loss of function.
Breast-ovarian cancer, familial, susceptibility to, 2 (BROVCA2). Also called: BRCA2 Hereditary Breast and Ovarian Cancer. Identifiers: Orphanet 145, MedGen C2675520, MONDO:0012933, OMIM 612555. Disease mechanism: loss of function.

Submissions (4):

All of Us Research Program, National Institutes of Health
Classification: Uncertain significance for Breast-ovarian cancer, familial, susceptibility to, 2. Last evaluated: 2023-05-16. Review status: criteria provided, single submitter. Criteria: ACMG Guidelines, 2015. Collection method: clinical testing. Allele origin: germline. Inheritance: Autosomal dominant inheritance. Observed: 1 variant allele, 1 heterozygote.
Comment: This missense variant replaces alanine with glycine at codon 1043 of the BRCA2 protein. Computational prediction suggests that this variant may not impact protein structure and function (internally defined REVEL score threshold <= 0.5, PMID: 27666373). To our knowledge, functional studies have not been reported for this variant. This variant has been reported in 1 individual affected with ovarian cancer (PMID: 30555256). This variant has not been identified in the general population by the Genome Aggregation Database (gnomAD). The available evidence is insufficient to determine the role of this variant in disease conclusively. Therefore, this variant is classified as a Variant of Uncertain Significance.

This study involves interpretation of variants in research participants for the purpose of population health screening. Participant phenotype was not available at the time of variant classification. Additional details can be found in publication PMID: 35346344, PMCID: PMC8962531

University of Washington Department of Laboratory Medicine, University of Washington
Classification: Likely benign for Hereditary cancer-predisposing syndrome. Last evaluated: 2023-03-23. Review status: criteria provided, single submitter. Criteria: Dines et al. (Genet Med. 2020). Collection method: curation. Allele origin: germline.
Comment: Missense variant in a coldspot region where missense variants are very unlikely to be pathogenic (PMID:31911673).

BRCA2 exon 11 coldspot. Reclassification based on statistical prior probability.

Labcorp Genetics (formerly Invitae), Labcorp
Classification: Uncertain significance for Hereditary breast ovarian cancer syndrome. Last evaluated: 2022-04-08. Review status: criteria provided, single submitter. Criteria: Invitae Variant Classification Sherloc (09022015). Collection method: clinical testing. Allele origin: germline.
Comment: Advanced modeling of protein sequence and biophysical properties (such as structural, functional, and spatial information, amino acid conservation, physicochemical variation, residue mobility, and thermodynamic stability) performed at Invitae indicates that this missense variant is not expected to disrupt BRCA2 protein function. This sequence change replaces alanine, which is neutral and non-polar, with glycine, which is neutral and non-polar, at codon 1043 of the BRCA2 protein (p.Ala1043Gly). This variant is not present in population databases (gnomAD no frequency). This missense change has been observed in individual(s) with ovarian cancer (PMID: 30555256). ClinVar contains an entry for this variant (Variation ID: 481601). In summary, the available evidence is currently insufficient to determine the role of this variant in disease. Therefore, it has been classified as a Variant of Uncertain Significance.

Ambry Genetics
Classification: Uncertain significance for Hereditary cancer-predisposing syndrome. Last evaluated: 2017-03-31. Review status: criteria provided, single submitter. Criteria: Ambry Variant Classification Scheme 2023. Collection method: clinical testing. Allele origin: germline.
Comment: The p.A1043G variant (also known as c.3128C>G), located in coding exon 10 of the BRCA2 gene, results from a C to G substitution at nucleotide position 3128. The alanine at codon 1043 is replaced by glycine, an amino acid with similar properties. This amino acid position is not well conserved in available vertebrate species. In addition, this alteration is predicted to be tolerated by in silico analysis. Since supporting evidence is limited at this time, the clinical significance of this alteration remains unclear.

Literature cited by the submitters: PubMed 30555256 (cited by All of Us Research Program, National Institutes of Health and Labcorp Genetics (formerly Invitae), Labcorp).